The following is an entry in ClinVar:

ClinVar aggregate classification (germline): Uncertain significance. Review status: criteria provided, multiple submitters, no conflicts (2 of 4 stars). 2 submissions from 2 submitters: Uncertain significance (2). Last evaluated 2026-07-06.

Conditions:
TTC21B-related disorder. Also called: TTC21B-related condition; TTC21B-related disorders.
Jeune thoracic dystrophy. Also called: Short-rib thoracic dysplasia; Jeune syndrome; Infantile thoracic dystrophy; Thoracic pelvic phalangeal dystrophy; Jeune's syndrome; Chondroectodermal dysplasia-like syndrome. Identifiers: Orphanet 474, MedGen C0265275, MONDO:0018770.
Nephronophthisis. Also called: Juvenile Nephronophthisis. Identifiers: Orphanet 655, MedGen C0687120, MONDO:0019005, HP:0000090.

Allele frequency attached by ClinVar (database versions not stated): gnomAD 0.00001; gnomAD exomes 0.00001; ExAC 0.00002; TOPMed 0.00002.
gnomAD v4.1: 9 of 1,611,572 alleles (0.00056%); highest among the groups gnomAD compares: East Asian, 0.0022%; no homozygotes.

Submissions (2):

PreventionGenetics, part of Exact Sciences
Classification: Uncertain significance for TTC21B-related condition. Last evaluated: 2026-07-06. Review status: criteria provided, single submitter. Criteria: ACMG Guidelines, 2015. Collection method: clinical testing. Allele origin: germline.
Comment: The TTC21B c.1172T>C variant is predicted to result in the amino acid substitution p.Ile391Thr. To our knowledge, this variant has not been reported in the literature. This variant is reported in 0.015% of alleles in individuals of East Asian descent in gnomAD. At this time, the clinical significance of this variant is uncertain due to the absence of conclusive functional and genetic evidence.

Labcorp Genetics (formerly Invitae), Labcorp
Classification: Uncertain significance for Jeune thoracic dystrophy; Nephronophthisis. Last evaluated: 2022-02-22. Review status: criteria provided, single submitter. Criteria: Invitae Variant Classification Sherloc (09022015). Collection method: clinical testing. Allele origin: germline.
Comment: This sequence change replaces isoleucine, which is neutral and non-polar, with threonine, which is neutral and polar, at codon 391 of the TTC21B protein (p.Ile391Thr). This variant is present in population databases (rs773520382, gnomAD 0.02%). This variant has not been reported in the literature in individuals affected with TTC21B-related conditions. Algorithms developed to predict the effect of missense changes on protein structure and function are either unavailable or do not agree on the potential impact of this missense change (SIFT: "Deleterious"; PolyPhen-2: "Possibly Damaging"; Align-GVGD: "Class C0"). In summary, the available evidence is currently insufficient to determine the role of this variant in disease. Therefore, it has been classified as a Variant of Uncertain Significance.

NM_024753.5(TTC21B):c.1172T>C (p.Ile391Thr)

Gene: TTC21B (tetratricopeptide repeat domain 21B; minus strand). Cytogenetic location: 2q24.3.
Variant type: single nucleotide variant.
Coding change: c.1172T>C on transcript NM_024753.5 (MANE Select); coding-DNA position 1172, T replaced by C.
Protein change: p.Ile391Thr; replaces isoleucine 391 with threonine.
Molecular consequence: missense variant.
Genome position (GRCh38, 1-based): chr2:165,929,663, A>G on the plus strand (T>C on the coding strand, the complement: TTC21B is on the minus strand). VCF-style: chr2-165929663-A-G. GRCh37 (hg19) VCF-style: chr2-166786173-A-G.
Other names: c.1172T>C (NM_024753.4); short protein forms I391T.
Identifiers: ClinVar variation 2154350 (VCV002154350.5), dbSNP rs773520382, ClinGen allele CA1942222.